The following is an entry in ClinVar:

ClinVar aggregate classification (germline): Uncertain significance (1 of 4 stars; one submission).

Conditions:
Primary ciliary dyskinesia 27. Also called: CILIARY DYSKINESIA, PRIMARY, 27, WITHOUT SITUS INVERSUS. Identifiers: Orphanet 244, MedGen C3809701, MONDO:0014215, OMIM 615504.

Allele frequency attached by ClinVar (database versions not stated): gnomAD exomes 0.00001 and 0.00003; ExAC 0.00002; gnomAD 0.00011 and 0.00012; TOPMed 0.00012; ESP Exome Variant Server 0.00031.
gnomAD v4.1: 41 of 1,613,850 alleles (0.0025%); highest among the groups gnomAD compares: African/African-American, 0.028%; no homozygotes.

Submission:

Labcorp Genetics (formerly Invitae), Labcorp
Classification: Uncertain significance for Primary ciliary dyskinesia 27. Last evaluated: 2022-09-27. Review status: criteria provided, single submitter. Criteria: Invitae Variant Classification Sherloc (09022015). Collection method: clinical testing. Allele origin: germline.
Comment: This sequence change replaces isoleucine, which is neutral and non-polar, with threonine, which is neutral and polar, at codon 161 of the CCDC65 protein (p.Ile161Thr). This variant is present in population databases (rs148688058, gnomAD 0.02%). This variant has not been reported in the literature in individuals affected with CCDC65-related conditions. ClinVar contains an entry for this variant (Variation ID: 1519582). Algorithms developed to predict the effect of missense changes on protein structure and function output the following: SIFT: "Tolerated"; PolyPhen-2: "Benign"; Align-GVGD: "Class C0". The threonine amino acid residue is found in multiple mammalian species, which suggests that this missense change does not adversely affect protein function. In summary, the available evidence is currently insufficient to determine the role of this variant in disease. Therefore, it has been classified as a Variant of Uncertain Significance.

NM_033124.5(DRC2):c.482T>C (p.Ile161Thr)

Gene: DRC2 (dynein regulatory complex subunit 2; plus strand). Cytogenetic location: 12q13.12.
Variant type: single nucleotide variant.
Coding change: c.482T>C on transcript NM_033124.5 (MANE Select); coding-DNA position 482, T replaced by C.
Protein change: p.Ile161Thr; replaces isoleucine 161 with threonine.
Molecular consequence: missense variant.
Genome position (GRCh38, 1-based): chr12:48,916,981, T>C. VCF-style: chr12-48916981-T-C. GRCh37 (hg19) VCF-style: chr12-49310764-T-C.
Other names: c.53T>C, p.Ile18Thr (NM_001286957.2); short protein forms I161T, I18T.
Identifiers: ClinVar variation 1519582 (VCV001519582.3), dbSNP rs148688058, ClinGen allele CA6543261.
Genomic context (GRCh38, chr12:48,916,981, plus strand): 5'-TCAATATCCTGTATCCCTCAGAGCAGGGACAGTGTCTTGTCTCCTACAGGAAGACAATTA[T>C]TGACCAACATGAGAAAGAGATTCACTATCTGCAAGATATCTTCATGGCCATGGAGCAGAA-3'
Protein context (NP_149115.2, residues 151-171): KEFETERKTI[Ile161Thr]DQHEKEIHYL